The following is an entry in ClinVar:

NM_173477.5(USH1G):c.*680C>G

Gene: USH1G (USH1 protein network component sans; minus strand). Cytogenetic location: 17q25.1.
Variant type: single nucleotide variant.
Coding change: c.*680C>G on transcript NM_173477.5 (MANE Select); 680 bases downstream of the stop codon, C replaced by G.
Molecular consequence: 3 prime UTR variant.
Genome position (GRCh38, 1-based): chr17:74,917,393, G>C on the plus strand (C>G on the coding strand, the complement: USH1G is on the minus strand). VCF-style: chr17-74917393-G-C. GRCh37 (hg19) VCF-style: chr17-72913487-G-C.
Other names: c.*680C>G (NM_001282489.3).
Identifiers: ClinVar variation 891842 (VCV000891842.29), dbSNP rs55744500, ClinGen allele CA293981893.

ClinVar aggregate classification (germline): Conflicting classifications of pathogenicity. Review status: criteria provided, conflicting classifications (1 of 4 stars). 3 submissions from 3 submitters: Uncertain significance (2); Benign (1). Last evaluated 2023-03-01.

Conditions:
Usher syndrome type 1G. Also called: USHER SYNDROME, TYPE IG, MILD. Identifiers: Orphanet 231169, Orphanet 886, MedGen C1847089, MONDO:0011748, OMIM 606943.

Allele frequency attached by ClinVar (database versions not stated): gnomAD exomes 0.00389; 1000 Genomes Project 0.00419; 1000 Genomes Project 30x 0.00437; gnomAD 0.00727 and 0.00734; TOPMed 0.00742.

Submissions (3):

CeGaT Center for Human Genetics Tuebingen
Classification: Benign. Last evaluated: 2023-03-01. Review status: criteria provided, single submitter. Criteria: CeGaT Center For Human Genetics Tuebingen Variant Classification Criteria Version 2. Collection method: clinical testing. Allele origin: germline. Affected: yes. Observed: 4 variant alleles.
Comment: USH1G: BS1, BS2

Illumina Laboratory Services, Illumina
Classification: Uncertain significance for Usher syndrome type 1G. Last evaluated: 2018-01-13. Review status: criteria provided, single submitter. Criteria: ICSL Variant Classification Criteria 13 December 2019. Collection method: clinical testing. Allele origin: germline.

Breakthrough Genomics
Classification: Uncertain significance. Review status: criteria provided, single submitter. Criteria: ACMG Guidelines, 2015. Collection method: not provided. Allele origin: germline. Inheritance: Autosomal recessive inheritance. Affected: yes.